The following is an entry in ClinVar:

ClinVar aggregate classification (germline): Uncertain significance (1 of 4 stars; one submission).

Submission:

Labcorp Genetics (formerly Invitae), Labcorp
Classification: Uncertain significance. Last evaluated: 2025-09-02. Review status: criteria provided, single submitter. Criteria: Invitae Variant Classification Sherloc (09022015). Collection method: clinical testing. Allele origin: germline.
Comment: This sequence change creates a premature translational stop signal (p.Val274Glyfs*21) in the TNFRSF6B gene. While this is not anticipated to result in nonsense mediated decay, it is expected to disrupt the last 27 amino acid(s) of the TNFRSF6B protein. This variant is not present in population databases (gnomAD no frequency). This variant has not been reported in the literature in individuals affected with TNFRSF6B-related conditions. Experimental studies and prediction algorithms are not available or were not evaluated, and the functional significance of this variant is currently unknown. In summary, the available evidence is currently insufficient to determine the role of this variant in disease. Therefore, it has been classified as a Variant of Uncertain Significance.

NM_003823.4(TNFRSF6B):c.820dup (p.Val274fs)

Genes: RTEL1-TNFRSF6B (RTEL1-TNFRSF6B readthrough (NMD candidate); plus strand), TNFRSF6B (TNF receptor superfamily member 6b; plus strand). Cytogenetic location: 20q13.33.
Variant type: Duplication.
Coding change: c.820dup on transcript NM_003823.4 (MANE Select); coding-DNA position 820, one base duplicated (G; older notation c.820dupG).
Protein change: p.Val274fs; shifts the reading frame from valine 274.
Molecular consequence: frameshift variant. On other transcripts: non-coding transcript variant (1).
Genome position (GRCh38, 1-based): chr20:63,698,480, G duplicated; the last of 2 consecutive G bases (chr20:63,698,479-63,698,480); duplicating either gives the same sequence. VCF-style (leftmost placement, unchanged base first): chr20-63698478-T-TG. GRCh37 (hg19) VCF-style: chr20-62329831-T-TG.
Other names: short protein forms V274fs.
Identifiers: ClinVar variation 4781976 (VCV004781976.1).